The following is an entry in ClinVar:

ClinVar aggregate classification (germline): Likely benign (1 of 4 stars; one submission).

Submission:

CeGaT Center for Human Genetics Tuebingen
Classification: Likely benign. Last evaluated: 2026-03-01. Review status: criteria provided, single submitter. Criteria: CeGaT Center For Human Genetics Tuebingen Variant Classification Criteria Version 2. Collection method: clinical testing. Allele origin: germline. Affected: yes. Observed: 1 variant allele.
Comment: CYP2D6: BP4, BS2

NM_000106.6(CYP2D6):c.19G>A (p.Val7Met)

Gene: CYP2D6 (cytochrome P450 family 2 subfamily D member 6 (gene/pseudogene); minus strand). Cytogenetic location: 22q13.2.
Variant type: single nucleotide variant.
Coding change: c.19G>A on transcript NM_000106.6 (MANE Select); coding-DNA position 19, G replaced by A.
Protein change: p.Val7Met; replaces valine 7 with methionine.
Molecular consequence: missense variant.
Genome position (GRCh38, 1-based): chr22:42,130,773, C>T on the plus strand (G>A on the coding strand, the complement: CYP2D6 is on the minus strand). VCF-style: chr22-42130773-C-T. GRCh37 (hg19) VCF-style: chr22-42526775-C-T.
Other names: c.19G>A, p.Val7Met (NM_001025161.3); short protein forms V7M.
Identifiers: ClinVar variation 4820858 (VCV004820858.4).